The following is an entry in ClinVar:

ClinVar aggregate classification (germline): Uncertain significance (1 of 4 stars; one submission).

Conditions:
Multiple congenital anomalies-hypotonia-seizures syndrome 2 (MCAHS2). Also called: EPILEPTIC ENCEPHALOPATHY, EARLY INFANTILE, 20; GLYCOSYLPHOSPHATIDYLINOSITOL BIOSYNTHESIS DEFECT 4. Identifiers: Orphanet 300496, MedGen C3275508, MONDO:0010466, OMIM 300868.

Allele frequency attached by ClinVar (database versions not stated): gnomAD exomes below 0.00001.
gnomAD v4.1: 4 of 1,209,806 alleles (0.00033%); highest among the groups gnomAD compares: African/African-American, 0.0017%; no homozygotes.

Submission:

Labcorp Genetics (formerly Invitae), Labcorp
Classification: Uncertain significance for Multiple congenital anomalies-hypotonia-seizures syndrome 2. Last evaluated: 2023-03-02. Review status: criteria provided, single submitter. Criteria: Invitae Variant Classification Sherloc (09022015). Collection method: clinical testing. Allele origin: germline.
Comment: This variant has not been reported in the literature in individuals affected with PIGA-related conditions. This variant is present in population databases (no rsID available, gnomAD 0.006%), including at least one homozygous and/or hemizygous individual. This sequence change replaces leucine, which is neutral and non-polar, with phenylalanine, which is neutral and non-polar, at codon 17 of the PIGA protein (p.Leu17Phe). Algorithms developed to predict the effect of missense changes on protein structure and function output the following: SIFT: "Not Available"; PolyPhen-2: "Benign"; Align-GVGD: "Not Available". The phenylalanine amino acid residue is found in multiple mammalian species, which suggests that this missense change does not adversely affect protein function. In summary, the available evidence is currently insufficient to determine the role of this variant in disease. Therefore, it has been classified as a Variant of Uncertain Significance.

NM_002641.4(PIGA):c.49C>T (p.Leu17Phe)

Gene: PIGA (phosphatidylinositol glycan anchor biosynthesis class A; minus strand). Cytogenetic location: Xp22.2.
Variant type: single nucleotide variant.
Coding change: c.49C>T on transcript NM_002641.4 (MANE Select); coding-DNA position 49, C replaced by T.
Protein change: p.Leu17Phe; replaces leucine 17 with phenylalanine.
Molecular consequence: missense variant. On other transcripts: non-coding transcript variant (2), intron variant (1).
Genome position (GRCh38, 1-based): chrX:15,331,882, G>A on the plus strand (C>T on the coding strand, the complement: PIGA is on the minus strand). VCF-style: chrX-15331882-G-A. GRCh37 (hg19) VCF-style: chrX-15350004-G-A.
Other names: c.13+3619C>T (NM_020473.3); short protein forms L17F.
Identifiers: ClinVar variation 3020102 (VCV003020102.3), dbSNP rs1373760754, ClinGen allele CA412341472.